The following is an entry in ClinVar:

NM_005422.4(TECTA):c.956C>A (p.Thr319Asn)

Genes: TBCEL-TECTA (TBCEL-TECTA readthrough; plus strand), TECTA (tectorin alpha; plus strand). Cytogenetic location: 11q23.3.
Variant type: single nucleotide variant.
Coding change: c.956C>A on transcript NM_005422.4 (MANE Select); coding-DNA position 956, C replaced by A.
Protein change: p.Thr319Asn; replaces threonine 319 with asparagine.
Molecular consequence: missense variant.
Genome position (GRCh38, 1-based): chr11:121,118,471, C>A. VCF-style: chr11-121118471-C-A. GRCh37 (hg19) VCF-style: chr11-120989180-C-A.
Other names: c.1913C>A, p.Thr638Asn (NM_001378761.1); short protein forms T319N, T638N.
Identifiers: ClinVar variation 229309 (VCV000229309.7), dbSNP rs372483012, ClinGen allele CA6326640.
Genomic context (GRCh38, chr11:121,118,471, plus strand): 5'-GTAGCCCCTACGAGGTGTGCGAACCCAAAGGCAAATTCTTCTACTGCAGCGCTGTGGAGA[C>A]CAGCACATGCGTGGTGTTTGGGGAGCCACACTACCACACTTTTGACGGCTTCCTCTTCCA-3'
Protein context (NP_005413.2, residues 309-329): GKFFYCSAVE[Thr319Asn]STCVVFGEPH

ClinVar aggregate classification (germline): Uncertain significance. Review status: criteria provided, multiple submitters, no conflicts (2 of 4 stars). 3 submissions from 3 submitters: Uncertain significance (3). Last evaluated 2025-08-31.

Conditions:
Inborn genetic diseases. Identifiers: MedGen C0950123, MeSH D030342.

Allele frequency attached by ClinVar (database versions not stated): gnomAD exomes below 0.00001 and 0.00002; ExAC 0.00003; gnomAD 0.00004; TOPMed 0.00004; ESP Exome Variant Server 0.00008; 1000 Genomes Project 0.00020; 1000 Genomes Project 30x 0.00031.

Submissions (3):

Ambry Genetics
Classification: Uncertain significance for Inborn genetic diseases. Last evaluated: 2025-08-31. Review status: criteria provided, single submitter. Criteria: Ambry Variant Classification Scheme 2023. Collection method: clinical testing. Allele origin: germline.

GeneDx
Classification: Uncertain significance. Last evaluated: 2025-03-04. Review status: criteria provided, single submitter. Criteria: GeneDx Variant Classification Process June 2021. Collection method: clinical testing. Allele origin: germline. Affected: yes.
Comment: In silico analysis indicates that this missense variant does not alter protein structure/function; Has not been previously published as pathogenic or benign to our knowledge; This variant is associated with the following publications: (PMID: 21520338, 31554319, 9590290)

Laboratory for Molecular Medicine, Mass General Brigham Personalized Medicine
Classification: Uncertain significance. Last evaluated: 2015-07-30. Review status: criteria provided, single submitter. Criteria: LMM Criteria. Collection method: clinical testing. Allele origin: germline. Observed: 1 variant allele.
Comment: The p.Thr319Asn variant in TECTA has not been previously reported in individuals with hearing loss, but has been identified in 4/10406 African chromosomes by th e Exome Aggregation Consortium (ExAC; dbSNP rs37 2483012). Computational prediction tools and conservation analysis do not provid e strong support for or against an impact to the protein. In summary, the clinic al significance of the p.Thr319Asn variant is uncertain.